The following is an entry in ClinVar:

NM_018026.4(PACS1):c.640G>C (p.Gly214Arg)

Gene: PACS1 (phosphofurin acidic cluster sorting protein 1; plus strand). Cytogenetic location: 11q13.2.
Variant type: single nucleotide variant.
Coding change: c.640G>C on transcript NM_018026.4 (MANE Select); coding-DNA position 640, G replaced by C.
Protein change: p.Gly214Arg; replaces glycine 214 with arginine.
Molecular consequence: missense variant.
Genome position (GRCh38, 1-based): chr11:66,211,239, G>C. VCF-style: chr11-66211239-G-C. GRCh37 (hg19) VCF-style: chr11-65978710-G-C.
Other names: short protein forms G214R.
Identifiers: ClinVar variation 5018322 (VCV005018322.1).

ClinVar aggregate classification (germline): Uncertain significance (1 of 4 stars; one submission).

Submission:

GeneDx
Classification: Uncertain significance. Last evaluated: 2026-04-09. Review status: criteria provided, single submitter. Criteria: GeneDx Variant Classification Process June 2021. Collection method: clinical testing. Allele origin: germline.
Comment: Not observed at significant frequency in large population cohorts (gnomAD); In silico analysis supports that this missense variant has a deleterious effect on protein structure/function; Has not been previously published as pathogenic or benign to our knowledge